The following is an entry in ClinVar:

NM_001374385.1(ATP8B1):c.*587G>A

Genes: ATP8B1-AS1 (ATP8B1 antisense RNA 1; plus strand), ATP8B1 (ATPase phospholipid transporting 8B1; minus strand). Cytogenetic location: 18q21.31.
Variant type: single nucleotide variant.
Coding change: c.*587G>A on transcript NM_001374385.1 (MANE Select); 587 bases downstream of the stop codon, G replaced by A.
Molecular consequence: 3 prime UTR variant.
Genome position (GRCh38, 1-based): chr18:57,647,901, C>T on the plus strand (G>A on the coding strand, the complement: ATP8B1 is on the minus strand). VCF-style: chr18-57647901-C-T. GRCh37 (hg19) VCF-style: chr18-55315133-C-T.
Other names: c.*587G>A (NM_001374386.1, NM_005603.6).
Identifiers: ClinVar variation 327457 (VCV000327457.6), dbSNP rs317822, ClinGen allele CA10651136.
Genomic context (GRCh38, chr18:57,647,901, plus strand): 5'-TCAAGCGATTTCCAGCTAATTTTTGTATTTTTAGTAGAGATGGGGTTTCACCATGTTGGC[C>T]GGGCTGGTCTCCTGACCTCAAGTGATCCACCTGCCTTGGCCTCCCAAAGTGCTAGGATGA-3'

ClinVar aggregate classification (germline): Benign. Review status: criteria provided, multiple submitters, no conflicts (2 of 4 stars). 2 submissions from 2 submitters: Benign (2). Last evaluated 2018-01-12.

Conditions:
Progressive familial intrahepatic cholestasis type 1. Also called: BYLER DISEASE; Byler's disease; Severe ATP8B1 Deficiency (Progressive Familial Intrahepatic Cholestasis Type 1 [PFIC1]). Identifiers: Orphanet 79306, MedGen C4551898, MONDO:0008892, OMIM 211600.

Allele frequency attached by ClinVar (database versions not stated): gnomAD exomes 0.28865; TOPMed 0.30501; 1000 Genomes Project 30x 0.33823; 1000 Genomes Project 0.33886.

Submissions (2):

Illumina Laboratory Services, Illumina
Classification: Benign for Progressive familial intrahepatic cholestasis type 1. Last evaluated: 2018-01-12. Review status: criteria provided, single submitter. Criteria: ICSL Variant Classification Criteria 13 December 2019. Collection method: clinical testing. Allele origin: germline.
Comment: This variant was observed in the ICSL laboratory as part of a predisposition screen in an ostensibly healthy population. It had not been previously curated by ICSL or reported in the Human Gene Mutation Database (HGMD: prior to June 1st, 2018), and was therefore a candidate for classification through an automated scoring system. Utilizing variant allele frequency, disease prevalence and penetrance estimates, and inheritance mode, an automated score was calculated to assess if this variant is too frequent to cause the disease. Based on the score and internal cut-off values, a variant classified as benign is not then subjected to further curation. The score for this variant resulted in a classification of benign for this disease.

Breakthrough Genomics
Classification: Benign. Review status: criteria provided, single submitter. Criteria: ACMG Guidelines, 2015. Collection method: not provided. Allele origin: germline. Inheritance: Autosomal recessive inheritance. Affected: yes.